The following is an entry in ClinVar:

NM_001958.5(EEF1A2):c.1001C>T (p.Pro334Leu)

Gene: EEF1A2 (eukaryotic translation elongation factor 1 alpha 2; minus strand). Cytogenetic location: 20q13.33.
Variant type: single nucleotide variant.
Coding change: c.1001C>T on transcript NM_001958.5 (MANE Select); coding-DNA position 1001, C replaced by T.
Protein change: p.Pro334Leu; replaces proline 334 with leucine.
Molecular consequence: missense variant.
Genome position (GRCh38, 1-based): chr20:63,490,507, G>A on the plus strand (C>T on the coding strand, the complement: EEF1A2 is on the minus strand). VCF-style: chr20-63490507-G-A. GRCh37 (hg19) VCF-style: chr20-62121860-G-A.
Other names: short protein forms P334L.
Identifiers: ClinVar variation 1391727 (VCV001391727.6), dbSNP rs574384755, ClinGen allele CA9958996.

ClinVar aggregate classification (germline): Uncertain significance (1 of 4 stars; one submission).

Conditions:
Developmental and epileptic encephalopathy, 33 (DEE33). Also called: Epileptic encephalopathy, early infantile, 33. Identifiers: Orphanet 442835, MedGen C4225337, MONDO:0014625, OMIM 616409.

Allele frequency attached by ClinVar (database versions not stated): gnomAD exomes below 0.00001; TOPMed below 0.00001; ExAC 0.00002; 1000 Genomes Project 0.00020.

Submission:

Labcorp Genetics (formerly Invitae), Labcorp
Classification: Uncertain significance for Developmental and epileptic encephalopathy, 33. Last evaluated: 2021-11-06. Review status: criteria provided, single submitter. Criteria: Invitae Variant Classification Sherloc (09022015). Collection method: clinical testing. Allele origin: germline.
Comment: In summary, the available evidence is currently insufficient to determine the role of this variant in disease. Therefore, it has been classified as a Variant of Uncertain Significance. Advanced modeling of protein sequence and biophysical properties (such as structural, functional, and spatial information, amino acid conservation, physicochemical variation, residue mobility, and thermodynamic stability) performed at Invitae indicates that this missense variant is expected to disrupt EEF1A2 protein function. This variant has not been reported in the literature in individuals affected with EEF1A2-related conditions. The frequency data for this variant in the population databases is considered unreliable, as metrics indicate poor data quality at this position in the gnomAD database. This sequence change replaces proline, which is neutral and non-polar, with leucine, which is neutral and non-polar, at codon 334 of the EEF1A2 protein (p.Pro334Leu).